The following is an entry in ClinVar:

ClinVar aggregate classification (germline): Pathogenic (1 of 4 stars; one submission).

Conditions:
Mucopolysaccharidosis, MPS-II (MPS2). Also called: Hunter Syndrome; IDURONATE 2-SULFATASE DEFICIENCY; Mucopolysaccharidosis Type II; Mucopolysaccharidosis type 2; Attenuated MPS (subtype; formerly known as mild MPS II); Severe MPS II. Identifiers: Orphanet 580, Orphanet 79388, MedGen C0026705, MONDO:0010674, OMIM 309900.

Submission:

Laboratory of Diagnosis and Therapy of Lysosomal Disorders, University of Padova
Classification: Pathogenic for Mucopolysaccharidosis, MPS-II. Last evaluated: 2024-06-07. Review status: criteria provided, single submitter. Criteria: ACMG Guidelines, 2015. Collection method: literature only. Allele origin: germline. Affected: yes. Observed: 1 variant allele.
Comment: Null variant (PVS1_VeryStrong), Absent from controls (or at low frequency) in gnomAD database (PM2_Moderate), Patient’s phenotype or family history highly specific for the disease (PP4_Strong)

Classification method: ACMG Guidelines [PMID:25741868] with modifications

Literature cited by the submitters: PubMed 9660053.

NM_000202.8(IDS):c.99del (p.Thr34fs)

Gene: IDS (iduronate 2-sulfatase; minus strand). Cytogenetic location: Xq28.
Variant type: Deletion.
Coding change: c.99del on transcript NM_000202.8 (MANE Select); coding-DNA position 99, one base deleted (C; older notation c.99delC).
Protein change: p.Thr34fs; shifts the reading frame from threonine 34.
Molecular consequence: frameshift variant. On other transcripts: 5 prime UTR variant (1), non-coding transcript variant (1).
Genome position (GRCh38, 1-based): chrX:149,505,039, G deleted on the plus strand (C on the coding strand, the reverse complement: IDS is on the minus strand); the first of 2 consecutive G bases (chrX:149,505,039-149,505,040); deleting either gives the same sequence. VCF-style (leftmost placement, unchanged base first): chrX-149505038-TG-T. GRCh37 (hg19) VCF-style: chrX-148586568-TG-T.
Other names: c.-128del (NM_001166550.4); c.99del, p.Thr34fs (NM_006123.5); short protein forms T34fs.
Identifiers: ClinVar variation 3255706 (VCV003255706.2).